The following is an entry in ClinVar:

NM_000179.3(MSH6):c.1623C>T (p.Ser541=)

Gene: MSH6 (mutS homolog 6; plus strand). Cytogenetic location: 2p16.3.
Variant type: single nucleotide variant.
Coding change: c.1623C>T on transcript NM_000179.3 (MANE Select); coding-DNA position 1623, C replaced by T.
Protein change: p.Ser541=; no amino-acid change (serine 541 retained).
Molecular consequence: synonymous variant.
Genome position (GRCh38, 1-based): chr2:47,799,606, C>T. VCF-style: chr2-47799606-C-T. GRCh37 (hg19) VCF-style: chr2-48026745-C-T.
Other names: c.1233C>T, p.Ser411= (NM_001281492.2); c.717C>T, p.Ser239= (NM_001281493.2, NM_001281494.2).
Identifiers: ClinVar variation 416138 (VCV000416138.22), dbSNP rs777678406, ClinGen allele CA067950.
Genomic context (GRCh38, chr2:47,799,606, plus strand): 5'-ACAGACTTACAGTGTGCTGGAAGGTGATCCCTCTGAGAACTACAGTAAGTATCTTCTTAG[C>T]CTCAAAGAAAAAGAGGAAGATTCTTCTGGCCATACTCGTGCATATGGTGTGTGCTTTGTT-3'
Protein context (NP_000170.1, residues 531-551): PSENYSKYLL[Ser541=]LKEKEEDSSG

ClinVar aggregate classification (germline): Benign/Likely benign. Review status: criteria provided, multiple submitters, no conflicts (2 of 4 stars). 7 submissions from 7 submitters: Benign (1); Likely benign (6). Last evaluated 2026-01-17.

Conditions:
Hereditary cancer-predisposing syndrome. Also called: Tumor predisposition; Hereditary Cancer Syndrome; Hereditary neoplastic syndrome; Neoplastic Syndromes, Hereditary. Identifiers: Orphanet 140162, MedGen C0027672, MeSH D009386, MONDO:0015356.
Lynch syndrome. Identifiers: Orphanet 144, MedGen C4552100, MONDO:0005835. Disease mechanism: loss of function.
Hereditary nonpolyposis colorectal neoplasms. Identifiers: MedGen C0009405, MeSH D003123.
Lynch syndrome 5 (LYNCH5). Also called: Hereditary non-polyposis colorectal cancer, type 5; Colorectal cancer, hereditary nonpolyposis, type 5. Identifiers: Orphanet 144, MedGen C1833477, MONDO:0013710, OMIM 614350. Disease mechanism: loss of function.

Allele frequency attached by ClinVar (database versions not stated): gnomAD exomes below 0.00001 and 0.00001; ExAC 0.00002; TOPMed 0.00002.
gnomAD v4.1: 6 of 1,614,082 alleles (0.00037%); highest among the groups gnomAD compares: Admixed American, 0.005%; no homozygotes.

Submissions (7):

Labcorp Genetics (formerly Invitae), Labcorp
Classification: Likely benign for Hereditary nonpolyposis colorectal neoplasms. Last evaluated: 2026-01-17. Review status: criteria provided, single submitter. Criteria: Invitae Variant Classification Sherloc (09022015). Collection method: clinical testing. Allele origin: germline.

Myriad Genetics, Inc.
Classification: Benign for Lynch syndrome 5. Last evaluated: 2024-12-27. Review status: criteria provided, single submitter. Criteria: Myriad Autosomal Dominant, Autosomal Recessive and X-Linked Classification Criteria (2023). Collection method: clinical testing. Allele origin: unknown.
Comment: This variant is considered benign. This variant is a silent/synonymous amino acid change and it is not expected to impact splicing.

Blueprint Genetics
Classification: Likely benign. Last evaluated: 2024-11-15. Review status: criteria provided, single submitter. Criteria: ACMG Guidelines, 2015. Collection method: clinical testing. Allele origin: germline.

All of Us Research Program, National Institutes of Health
Classification: Likely benign for Lynch syndrome. Last evaluated: 2023-08-15. Review status: criteria provided, single submitter. Criteria: ACMG Guidelines, 2015. Collection method: clinical testing. Allele origin: germline. Inheritance: Autosomal dominant inheritance. Observed: 1 variant allele, 1 heterozygote.
Comment: This study involves interpretation of variants in research participants for the purpose of population health screening. Participant phenotype was not available at the time of variant classification. Additional details can be found in publication PMID: 35346344, PMCID: PMC8962531

Mendelics
Classification: Likely benign for Lynch syndrome 5. Last evaluated: 2019-05-28. Review status: criteria provided, single submitter. Criteria: Mendelics Assertion Criteria 2017. Collection method: clinical testing. Allele origin: unknown.

Color Diagnostics, LLC DBA Color Health
Classification: Likely benign for Hereditary cancer-predisposing syndrome. Last evaluated: 2018-10-30. Review status: criteria provided, single submitter. Criteria: ACMG Guidelines, 2015. Collection method: clinical testing. Allele origin: germline.

Ambry Genetics
Classification: Likely benign for Hereditary cancer-predisposing syndrome. Last evaluated: 2015-11-14. Review status: criteria provided, single submitter. Criteria: Ambry Variant Classification Scheme 2023. Collection method: clinical testing. Allele origin: germline.